The following is an entry in ClinVar:

ClinVar aggregate classification (germline): Uncertain significance (1 of 4 stars; one submission).

Allele frequency attached by ClinVar (database versions not stated): gnomAD exomes below 0.00001; TOPMed 0.00001.
gnomAD v4.1: 5 of 1,613,696 alleles (0.00031%); highest among the groups gnomAD compares: Non-Finnish European, 0.00042%; no homozygotes.

Submission:

Labcorp Genetics (formerly Invitae), Labcorp
Classification: Uncertain significance. Last evaluated: 2025-08-04. Review status: criteria provided, single submitter. Criteria: Invitae Variant Classification Sherloc (09022015). Collection method: clinical testing. Allele origin: germline.
Comment: This sequence change replaces serine, which is neutral and polar, with asparagine, which is neutral and polar, at codon 380 of the TRPC3 protein (p.Ser380Asn). This variant is not present in population databases (gnomAD no frequency). This variant has not been reported in the literature in individuals affected with TRPC3-related conditions. ClinVar contains an entry for this variant (Variation ID: 2967293). Invitae Evidence Modeling of protein sequence and biophysical properties (such as structural, functional, and spatial information, amino acid conservation, physicochemical variation, residue mobility, and thermodynamic stability) indicates that this missense variant is not expected to disrupt TRPC3 protein function with a negative predictive value of 80%. In summary, the available evidence is currently insufficient to determine the role of this variant in disease. Therefore, it has been classified as a Variant of Uncertain Significance.

NM_001130698.2(TRPC3):c.1139G>A (p.Ser380Asn)

Gene: TRPC3 (transient receptor potential cation channel subfamily C member 3; minus strand). Cytogenetic location: 4q27.
Variant type: single nucleotide variant.
Coding change: c.1139G>A on transcript NM_001130698.2 (MANE Select); coding-DNA position 1139, G replaced by A.
Protein change: p.Ser380Asn; replaces serine 380 with asparagine.
Molecular consequence: missense variant.
Genome position (GRCh38, 1-based): chr4:121,925,055, C>T on the plus strand (G>A on the coding strand, the complement: TRPC3 is on the minus strand). VCF-style: chr4-121925055-C-T. GRCh37 (hg19) VCF-style: chr4-122846210-C-T.
Other names: c.1139G>A, p.Ser380Asn (NM_001366479.2); c.920G>A, p.Ser307Asn (NM_003305.2); short protein forms S307N, S380N.
Identifiers: ClinVar variation 2967293 (VCV002967293.3), dbSNP rs774747811, ClinGen allele CA104738283.
Genomic context (GRCh38, chr4:121,925,055, plus strand): 5'-TAGATGAAAGTAGGCCCACTCACCTTTTTGACTTCATACTTAATGGCAAGTTTGACACGA[C>T]TTAATGAAGCTTTGTGCCTGTGTACCTCCAGAGGCTCTGCTGATTCCAGATCTCCATTCA-3'
Protein context (NP_001124170.1, residues 370-390): LEVHRHKASL[Ser380Asn]RVKLAIKYEV